The following is an entry in ClinVar:

NM_020937.4(FANCM):c.1972C>T (p.Arg658Ter)

Gene: FANCM (FA complementation group M; plus strand). Cytogenetic location: 14q21.2.
Variant type: single nucleotide variant.
Coding change: c.1972C>T on transcript NM_020937.4 (MANE Select); coding-DNA position 1972, C replaced by T.
Protein change: p.Arg658Ter; replaces arginine 658 with a stop codon.
Molecular consequence: nonsense.
Genome position (GRCh38, 1-based): chr14:45,167,133, C>T. VCF-style: chr14-45167133-C-T. GRCh37 (hg19) VCF-style: chr14-45636336-C-T.
Other names: c.1894C>T, p.Arg632Ter (NM_001308133.2); c.1972C>T, p.Arg658Ter (NM_001308134.2); short protein forms R658*, R632*.
Identifiers: ClinVar variation 444327 (VCV000444327.65), dbSNP rs368728266, ClinGen allele CA7169194.

ClinVar aggregate classification (germline): Pathogenic/Likely pathogenic. Review status: criteria provided, multiple submitters, no conflicts (2 of 4 stars). 12 submissions from 12 submitters: Pathogenic (5); Likely pathogenic (6). 1 of the submissions does not count toward it. Last evaluated 2025-11-24.

Conditions:
FANCM-related disorder. Also called: FANCM-related condition.
Spermatogenic failure 28. Identifiers: MedGen C4748117, MONDO:0054732, OMIM 618086.
Premature ovarian failure 15. Identifiers: MedGen C4748170, MONDO:0054862, OMIM 618096.
Hereditary cancer-predisposing syndrome. Also called: Hereditary neoplastic syndrome; Tumor predisposition; Hereditary Cancer Syndrome; Neoplastic Syndromes, Hereditary. Identifiers: Orphanet 140162, MedGen C0027672, MeSH D009386, MONDO:0015356.
Fanconi anemia (FA). Also called: Fanconi's anemia. Identifiers: Orphanet 84, MedGen C0015625, MeSH D005199, MONDO:0019391.

Allele frequency attached by ClinVar (database versions not stated): ExAC 0.00007; ESP Exome Variant Server 0.00008; gnomAD exomes 0.00008 and 0.00009; TOPMed 0.00008; gnomAD 0.00009; 1000 Genomes Project 30x 0.00016; 1000 Genomes Project 0.00020.
gnomAD v4.1: 144 of 1,611,790 alleles (0.0089%); highest among the groups gnomAD compares: Non-Finnish European, 0.011%; no homozygotes.

Submissions (12):

Dasa
Classification: Pathogenic. Last evaluated: 2025-11-24. Review status: criteria provided, single submitter. Criteria: DASA Assertion Criteria. Collection method: clinical testing. Allele origin: germline.
Comment: NM_020937.4(FANCM):c.1972C>T (p.Arg658Ter) introduces a premature termination codon predicted to result in loss of normal protein function. Loss-of-function is an established mechanism of disease for this gene. This variant has been observed in affected individuals with related phenotype in a genotype context consistent with recessive disease (PMID: 31700994; PMID: 28837162; PMID: 31991861; PMID: 31942822; PMID: 34568721). Functional evidence supports a deleterious effect on the gene or gene product (PMID: 31700994; PMID: 28837162; PMID: 31991861; PMID: 31942822; PMID: 34568721). This variant has been recurrently observed in individuals with related phenotype (PMID: 31700994; PMID: 28837162; PMID: 31991861; PMID: 31942822; PMID: 34568721). The variant is present at low frequency in population datasets. Based on the available data, this variant is classified as pathogenic.

Labcorp Genetics (formerly Invitae), Labcorp
Classification: Pathogenic for Fanconi anemia. Last evaluated: 2025-09-04. Review status: criteria provided, single submitter. Criteria: Invitae Variant Classification Sherloc (09022015). Collection method: clinical testing. Allele origin: germline.
Comment: This sequence change creates a premature translational stop signal (p.Arg658*) in the FANCM gene. It is expected to result in an absent or disrupted protein product. Loss-of-function variants in FANCM are known to be pathogenic (PMID: 29895858, 30075111). This variant is present in population databases (rs368728266, gnomAD 0.02%). This variant has been observed to be homozygous in an individual with breast cancer and other oncological malignancies and in an individual with breast cancer, pancytopenia, and chromosome fragility (PMID: 28837162). In addition, this variant has been observed to be heterozygous in individuals affected with ovarian cancer, polycythemia vera, and breast cancer (PMID: 21681190, 26822949, 29351780, 29287190, 28033443, 28881617); and in a large case-control study, this variant was observed more frequently in individuals with ER-negative breast cancer (OR=2.44, 95% CI [1.12-5.34], p=0.034) or triple-negative breast cancer (OR=3.79, 95% CI [1.56-9.18], p=0.009) than among controls (PMID: 31700994). ClinVar contains an entry for this variant (Variation ID: 444327). Algorithms developed to predict the effect of variants on gene product structure and function are not available or were not evaluated for this variant. Experimental data suggest that this variant might not result in nonsense-mediated mRNA decay. However, experimental studies showed that it affects FANCM function (PMID: 31700994). This variant disrupts the C-terminal ERCC4 nuclease domain and the helix-hairpin-helix (HhH) motifs of the FANCM protein, which are critical for the interaction between FANCM and FAAP24, chromatin localization of the FANCM/FAAP24 complex and the activation of the FA core complex (PMID: 17289582, 23932590, 18174376, 19379763, 24003026). While functional studies have not been performed to directly test the effect of this variant on FANCM protein function, this suggests that disruption of this region of the protein may be causative of disease. For these reasons, this variant has been classified as Pathogenic.

GeneDx
Classification: Likely pathogenic. Last evaluated: 2025-03-19. Review status: criteria provided, single submitter. Criteria: GeneDx Variant Classification Process June 2021. Collection method: clinical testing. Allele origin: germline. Affected: yes.
Comment: Nonsense variant predicted to result in protein truncation or nonsense mediated decay in a gene for which loss-of-function is a known mechanism of disease; Observed as apparently homozygous or as compound heterozygous with a second FANCM truncating variant in individuals with early-onset breast cancer, childhood ALL, non-obstructive azoospermia, or premature ovarian failure (PMID: 28837162, 31942822, 34568721, 34976027); Published functional studies demonstrate a damaging effect: impairment of DNA repair activity and chromosome stability, and absent protein expression (PMID: 31700994); Observed in individuals with polycythemia, breast cancer, or ovarian cancer (PMID: 21681190, 26822949, 28033443, 29351780, 31223512, 30613976, 33099839, 28837162); This variant is associated with the following publications: (PMID: 28033443, 29351780, 21681190, 28881617, 29287190, 30676620, 26822949, 32054657, 30613976, 33099839, 31223512, 28837162, 32427313, 34584094, 33471991, 35441217, 26689913, 34976027, 34568721, 31942822, 33804961, 34308104, 32191290, 31700994, 37688579, 38496821)

Department of Clinical Genetics, Copenhagen University Hospital, Rigshospitalet
Classification: Likely pathogenic for Fanconi anemia. Last evaluated: 2025-02-04. Review status: criteria provided, single submitter. Criteria: ACMG Guidelines, 2015. Collection method: clinical testing. Allele origin: germline.
Comment: PVS1

Blueprint Genetics
Classification: Likely pathogenic for FANCM-related disorders. Last evaluated: 2024-11-18. Review status: criteria provided, single submitter. Criteria: ACMG Guidelines, 2015. Collection method: clinical testing. Allele origin: germline. Affected: yes. Observed: 5 variant alleles.

CeGaT Center for Human Genetics Tuebingen
Classification: Likely pathogenic. Last evaluated: 2024-07-01. Review status: criteria provided, single submitter. Criteria: CeGaT Center For Human Genetics Tuebingen Variant Classification Criteria Version 2. Collection method: clinical testing. Allele origin: germline. Affected: yes. Observed: 6 variant alleles.
Comment: FANCM: PVS1:Strong, PS4:Moderate

Fulgent Genetics
Classification: Likely pathogenic for Spermatogenic failure 28; Premature ovarian failure 15. Last evaluated: 2024-05-22. Review status: criteria provided, single submitter. Criteria: ACMG Guidelines, 2015. Collection method: clinical testing. Allele origin: germline.

Genetic Services Laboratory, University of Chicago
Classification: Pathogenic. Last evaluated: 2023-12-18. Review status: criteria provided, single submitter. Criteria: ACMG Guidelines, 2015. Collection method: clinical testing. Allele origin: germline. Affected: yes.
Comment: DNA sequence analysis of the FANCM gene demonstrated a sequence change, c.1972C>T, which results in the creation of a premature stop codon at amino acid position 658, p.Arg658*. This pathogenic sequence change is predicted to result in an abnormal transcript, which may be degraded, or may lead to the production of a truncated FANCM protein with potentially abnormal function. This sequence change has been described in the gnomAD database with a frequency of 0.008% in the overall population (dbSNP rs368728266). This pathogenic sequence change has previously been described in the heterozygous or bi-allelic state in several individuals with FANCM-related disorders (PMID: 28837162, 31942822, 34568721, 31991861, 31700994). Collectively, this evidence indicates that this sequence change is pathogenic.

Institute for Clinical Genetics, University Hospital TU Dresden, University Hospital TU Dresden
Classification: Pathogenic. Last evaluated: 2021-11-03. Review status: criteria provided, single submitter. Criteria: ACMG Guidelines, 2015. Collection method: clinical testing. Allele origin: germline.

Sema4
Classification: Pathogenic for Hereditary cancer-predisposing syndrome. Last evaluated: 2021-08-25. Review status: criteria provided, single submitter. Criteria: Sema4 Curation Guidelines. Collection method: curation. Allele origin: germline.
Comment: The FANCM c.1972C>T (p.R658*) variant has been reported as homozygous and compound heterozygous in at least three individuals with very early-onset breast cancer, all diagnosed with breast cancer before age 35 (PMID: 28837162, 31991861). These women also had increased risk of multiple primary cancers, chemotherapy toxicity, and chromosomal fragility (PMID: 28837162). The variant has also been reported as heterozygous in numerous individuals with breast cancer, ovarian cancer, head and neck squamous cell carcinoma, and polycythemia vera (PMID: 26689913, 26822949, 28033443, 29287190, 29351780, 31991861, 28881617, 33471991, 21681190). A case-control analysis suggested that the increased risk of breast cancer is most significant in ER- cases (OR 2.44, 95% CI 1.12-5.34, p=0.034) or triple negative breast cancer cases (OR 3.79, 95% CI 1.56-9.18, p=0.009) (PMID: 31700994). Functional studies have shown that this variant alters the cell survival and chromosome fragility (PMID: 31700994). It was observed in 21/128918 chromosomes of the Non-Finnish European subpopulation, with no homozygotes, in the large and broad cohorts of the Genome Aggregation Database (PMID: 32461654). The variant has been reported in ClinVar (Variation ID 444327). Based on the current evidence available, this variant is interpreted as pathogenic.

Baylor Genetics
Classification: Likely pathogenic for Spermatogenic failure 28. Review status: criteria provided, single submitter. Criteria: ACMG Guidelines, 2015. Collection method: clinical testing. Allele origin: unknown. Study: CSER-TexasKidsCanSeq.

PreventionGenetics, part of Exact Sciences
Classification: Likely pathogenic for FANCM-related condition. Last evaluated: 2024-04-13. Review status: no assertion criteria provided. Collection method: clinical testing. Allele origin: germline. Not counted in ClinVar's aggregate classification.
Comment: The FANCM c.1972C>T variant is predicted to result in premature protein termination (p.Arg658*). This variant has been reported in individuals who have developed various types of cancer, including breast, blood, and testicular cancers (AlDubayan et al. 2019. PubMed ID: 30676620; Harutyunyan et al. 2011. PubMed ID: 21681190; Lu et al. 2015. PubMed ID: 26689913; Nguyen-Dumont et al. 2018. PubMed ID: 29351780). This variant is reported in 0.016% of alleles in individuals of European (Non-Finnish) descent in gnomAD and has conflicting interpretations regarding its pathogenicity in ClinVar, ranging from uncertain to likely pathogenic to pathogenic. Given the evidence, we interpret this variant as likely pathogenic.

Literature cited by the submitters: PubMed 31700994 (cited by 3 submitters); PubMed 28837162 (cited by 3 submitters); PubMed 31991861 (cited by Dasa and Sema4); PubMed 31942822 (cited by Dasa); PubMed 34568721 (cited by Dasa); PubMed 34976027 (cited by Dasa); PubMed 29895858 (cited by Labcorp Genetics (formerly Invitae), Labcorp); PubMed 30075111 (cited by Labcorp Genetics (formerly Invitae), Labcorp); PubMed 21681190 (cited by Labcorp Genetics (formerly Invitae), Labcorp and Sema4); PubMed 26822949 (cited by Labcorp Genetics (formerly Invitae), Labcorp and Sema4); PubMed 29351780 (cited by Labcorp Genetics (formerly Invitae), Labcorp and Sema4); PubMed 29287190 (cited by Labcorp Genetics (formerly Invitae), Labcorp and Sema4); PubMed 28033443 (cited by Labcorp Genetics (formerly Invitae), Labcorp and Sema4); PubMed 28881617 (cited by Labcorp Genetics (formerly Invitae), Labcorp and Sema4); PubMed 17289582 (cited by Labcorp Genetics (formerly Invitae), Labcorp); PubMed 23932590 (cited by Labcorp Genetics (formerly Invitae), Labcorp); PubMed 18174376 (cited by Labcorp Genetics (formerly Invitae), Labcorp); PubMed 19379763 (cited by Labcorp Genetics (formerly Invitae), Labcorp); PubMed 24003026 (cited by Labcorp Genetics (formerly Invitae), Labcorp); PubMed 26689913 (cited by Sema4); PubMed 33471991 (cited by Sema4).